The following continues an entry in ClinVar:

NM_000059.4(BRCA2):c.7504C>T (p.Arg2502Cys)

Gene: BRCA2. ClinVar aggregate classification (germline): Conflicting classifications of pathogenicity. Uncertain significance (3); Benign (8); Likely benign (8).

Submissions 21 to 27 of 27:

PreventionGenetics, part of Exact Sciences
Classification: Likely benign for BRCA2-related condition. Last evaluated: 2022-02-01. Review status: no assertion criteria provided. Collection method: clinical testing. Allele origin: germline. Not counted in ClinVar's aggregate classification.
Comment: This variant is classified as likely benign based on ACMG/AMP sequence variant interpretation guidelines (Richards et al. 2015 PMID: 25741868, with internal and published modifications).

True Health Diagnostics
Classification: Likely benign for Hereditary cancer-predisposing syndrome. Last evaluated: 2018-01-05. Review status: no assertion criteria provided. Collection method: clinical testing. Allele origin: germline. Not counted in ClinVar's aggregate classification.

Counsyl
Classification: Uncertain significance for Breast-ovarian cancer, familial, susceptibility to, 2. Last evaluated: 2016-04-12. Review status: no assertion criteria provided. Collection method: clinical testing. Allele origin: unknown. Not counted in ClinVar's aggregate classification.

Biesecker Lab/Clinical Genomics Section, National Institutes of Health
Classification: Uncertain significance. Last evaluated: 2012-07-13. Review status: no assertion criteria provided. Collection method: research. Allele origin: germline. Affected: no. Observed: 1 variant allele. Study: ClinSeq. Not counted in ClinVar's aggregate classification.
ClinVar note: Converted during submission from variant of unknown significance to Uncertain significance.

Sharing Clinical Reports Project (SCRP)
Classification: Uncertain significance for Breast-ovarian cancer, familial 2. Last evaluated: 2007-02-09. Review status: no assertion criteria provided. Collection method: clinical testing. Allele origin: germline. Not counted in ClinVar's aggregate classification.

Breast Cancer Information Core (BIC) (BRCA2)
Classification: Uncertain significance for Breast-ovarian cancer, familial 2. Last evaluated: 2002-05-29. Review status: no assertion criteria provided. Collection method: clinical testing. Allele origin: germline, unknown. Affected: yes. Observed: 17 variant alleles. Not counted in ClinVar's aggregate classification.

Department of Pathology and Laboratory Medicine, Sinai Health System
Classification: Uncertain significance. Review status: no assertion criteria provided. Collection method: clinical testing. Allele origin: unknown. Affected: yes. Observed: 2 variant alleles. Study: The Canadian Open Genetics Repository (COGR). Not counted in ClinVar's aggregate classification.
Comment: The BRCA2 p.Arg2502Cys variant was identified in 1 of 1144 proband chromosomes (frequency: 0.0.001) from individuals or families with cancer syndromes (Johnston 2012). The variant was identified in dbSNP (ID: rs55716624 â€šÃ„ÃºWith Uncertain significance alleleâ€šÃ„Ã¹, with a minor allele frequency of 0.0004 (2/5000 chromosomes tested in 1000 Genomes Project), NHLBI Exome Sequencing Project (Exome Variant Server) in 15 of 4406 African Americans (frequency: 0.0034) and not found in European Americans, Exome Aggregation Consortium database (March 14, 2016) in 36 of 121024 chromosomes (frequency:0.003) from a population of African (30/10322), European (Non-Finnish-4/66524), Latino (1/11538) individuals and not in East Asian , South Asian and European (Finnish) or Other individuals. The p.Arg2502Cys variant was also identified in HGMD, LOVD (2x as unknown), classified as an Uncertain significance variant by 6 separate submitters to the ClinVar database (the Sharing Clinical Reports Project derived from Myriad reports, GeneDX, BIC, Ambry Genetics, CSER_CC_NCGL, Biesecker Laboratory â€šÃ„Ã¬ ClinSeq Project_NHGRI), GeneInsight COGR 1x (classified as uncertain by a clinical laboratory), the BIC database (17x with unknown clinical importance), and UMD (6x as an uncertain variant). Note the variant co-occurred 2x with 2 other variants of unknown significance i.e. c.1798T>C, p.Tyr600His VUS and c.IVS10+9delGT VUS. The p.Arg2502 residue is not conserved in mammals and four out of five computational analyses (PolyPhen-2, SIFT, AlignGVGD, MutationTaster) do not suggest a high likelihood of impact to the protein. However, this information is not predictive enough to rule out pathogenicity. The p.Arg2502Cys variant occurs outside of the splicing consensus sequence and in silico or computational prediction software programs (SpliceSiteFinder, MaxEntScan, NNSPLICE, GeneSplicer, HumanSpliceFinder) do not predict a difference in splicing. In addition, an assessment of 1,433 missense variants of unknown clinical significance, a likelihood ratio was computed based on a hypothesis that the variants were equivalent to an average deleterious mutation compared with neutral with respect to odds risk to other factors such as family history and co-occurrence. The likelihood ratios derived from each component were combined to provide an overall assessment for each VUS. The combined odds ratio for the variant was 21:1 and predicted causal, an odds ratio of 100:1 being neutral (Easton 2007). In another study (Karchin 2008), the authors are in disagreement with the conclusion of the Easton study. They have presented a new computational approach for analyzing the impact of missense changes in the DNA-binding domains of the cancer susceptibility protein BRCA2 that uses information from protein sequence, structure, and sequence conservation. They concluded the 2502Cys variant as neutral. In summary, based on the above information, the clinical significance of this variant cannot be determined with certainty at this time. This variant is classified as a variant of uncertain significance.

Literature cited by the submitters: PubMed 25782689 (cited by Quest Diagnostics Nichols Institute San Juan Capistrano); PubMed 25637381 (cited by 3 submitters); PubMed 22034289 (cited by 3 submitters); PubMed 28503720 (cited by Quest Diagnostics Nichols Institute San Juan Capistrano); PubMed 33471991 (cited by Quest Diagnostics Nichols Institute San Juan Capistrano); PubMed 30287823 (cited by Quest Diagnostics Nichols Institute San Juan Capistrano); PubMed 31131967 (cited by Quest Diagnostics Nichols Institute San Juan Capistrano); PubMed 29884841 (cited by Quest Diagnostics Nichols Institute San Juan Capistrano); PubMed 29394989 (cited by Quest Diagnostics Nichols Institute San Juan Capistrano); PubMed 16550498 (cited by 3 submitters); PubMed 22505045 (cited by 3 submitters); PubMed 10882858 (cited by Quest Diagnostics Nichols Institute San Juan Capistrano and Women's Health and Genetics/Laboratory Corporation of America, LabCorp); PubMed 17924331 (cited by 3 submitters); PubMed 19043619 (cited by 3 submitters); PubMed 22711857 (cited by Quest Diagnostics Nichols Institute San Juan Capistrano and Counsyl); PubMed 22874498 (cited by 3 submitters); PubMed 23633455 (cited by Quest Diagnostics Nichols Institute San Juan Capistrano and Counsyl); PubMed 24055113 (cited by Quest Diagnostics Nichols Institute San Juan Capistrano and Women's Health and Genetics/Laboratory Corporation of America, LabCorp); PubMed 26295337 (cited by Quest Diagnostics Nichols Institute San Juan Capistrano); PubMed 11030417 (cited by Counsyl).